The following is an entry in ClinVar:

NM_000934.4(SERPINF2):c.111C>T (p.Ser37=)

Gene: SERPINF2 (serpin family F member 2; plus strand). Cytogenetic location: 17p13.3.
Variant type: single nucleotide variant.
Coding change: c.111C>T on transcript NM_000934.4 (MANE Select); coding-DNA position 111, C replaced by T.
Protein change: p.Ser37=; no amino-acid change (serine 37 retained).
Molecular consequence: synonymous variant.
Genome position (GRCh38, 1-based): chr17:1,745,341, C>T. VCF-style: chr17-1745341-C-T. GRCh37 (hg19) VCF-style: chr17-1648635-C-T.
Other names: c.111C>T, p.Ser37= (NM_001165920.1, NM_001165921.2).
Identifiers: ClinVar variation 731846 (VCV000731846.14), dbSNP rs185025710, ClinGen allele CA8274079.

ClinVar aggregate classification (germline): Benign/Likely benign. Review status: criteria provided, multiple submitters, no conflicts (2 of 4 stars). 4 submissions from 4 submitters: Benign (2); Likely benign (1). 1 of the submissions does not count toward it. Last evaluated 2025-09-01.

Conditions:
SERPINF2-related disorder. Also called: SERPINF2-related condition.

Allele frequency attached by ClinVar (database versions not stated): ESP Exome Variant Server 0.00038; gnomAD 0.00089; TOPMed 0.00126; ExAC 0.00142; 1000 Genomes Project 30x 0.00468; 1000 Genomes Project 0.00559.

Submissions (4):

CeGaT Center for Human Genetics Tuebingen
Classification: Likely benign. Last evaluated: 2025-09-01. Review status: criteria provided, single submitter. Criteria: CeGaT Center For Human Genetics Tuebingen Variant Classification Criteria Version 2. Collection method: clinical testing. Allele origin: germline. Affected: yes. Observed: 1 variant allele.
Comment: SERPINF2: BP4, BP7

Labcorp Genetics (formerly Invitae), Labcorp
Classification: Benign. Last evaluated: 2019-12-31. Review status: criteria provided, single submitter. Criteria: Invitae Variant Classification Sherloc (09022015). Collection method: clinical testing. Allele origin: germline.

Breakthrough Genomics
Classification: Benign. Review status: criteria provided, single submitter. Criteria: ACMG Guidelines, 2015. Collection method: not provided. Allele origin: germline. Inheritance: Autosomal recessive inheritance. Affected: yes.

PreventionGenetics, part of Exact Sciences
Classification: Likely benign for SERPINF2-related condition. Last evaluated: 2024-06-20. Review status: no assertion criteria provided. Collection method: clinical testing. Allele origin: germline. Not counted in ClinVar's aggregate classification.
Comment: This variant is classified as likely benign based on ACMG/AMP sequence variant interpretation guidelines (Richards et al. 2015 PMID: 25741868, with internal and published modifications).